The following is an entry in ClinVar:

ClinVar aggregate classification (germline): Conflicting classifications of pathogenicity. Review status: criteria provided, conflicting classifications (1 of 4 stars). 5 submissions from 5 submitters: Uncertain significance (4); Likely benign (1). Last evaluated 2025-12-01.

Conditions:
Inborn genetic diseases. Identifiers: MedGen C0950123, MeSH D030342.
Hyperphosphatasemia with bone disease (PDB5). Also called: HYPEROSTOSIS CORTICALIS DEFORMANS JUVENILIS; HYPERPHOSPHATASEMIA, CHRONIC CONGENITAL IDIOPATHIC; HYPERPHOSPHATASIA, FAMILIAL IDIOPATHIC; Osteoectasia familial; PAGET DISEASE OF BONE 5, JUVENILE-ONSET; Paget disease of bone 5. Identifiers: Orphanet 2801, MedGen C0268414, MONDO:0009394, OMIM 239000.

Allele frequency attached by ClinVar (database versions not stated): ESP Exome Variant Server 0.00008; gnomAD 0.00008 and 0.00009; TOPMed 0.00014; gnomAD exomes 0.00018 and 0.00022; ExAC 0.00035.
gnomAD v4.1: 286 of 1,614,090 alleles (0.018%); highest among the groups gnomAD compares: Non-Finnish European, 0.02%; 1 homozygote.

Submissions (5):

CeGaT Center for Human Genetics Tuebingen
Classification: Likely benign. Last evaluated: 2025-12-01. Review status: criteria provided, single submitter. Criteria: CeGaT Center For Human Genetics Tuebingen Variant Classification Criteria Version 2. Collection method: clinical testing. Allele origin: germline. Affected: yes. Observed: 1 variant allele.
Comment: TNFRSF11B: BP4, BS2

Labcorp Genetics (formerly Invitae), Labcorp
Classification: Uncertain significance. Last evaluated: 2025-10-19. Review status: criteria provided, single submitter. Criteria: Invitae Variant Classification Sherloc (09022015). Collection method: clinical testing. Allele origin: germline.
Comment: This sequence change replaces isoleucine, which is neutral and non-polar, with valine, which is neutral and non-polar, at codon 285 of the TNFRSF11B protein (p.Ile285Val). This variant is present in population databases (rs373848556, gnomAD 0.04%). This variant has not been reported in the literature in individuals affected with TNFRSF11B-related conditions. ClinVar contains an entry for this variant (Variation ID: 912224). Invitae Evidence Modeling of protein sequence and biophysical properties (such as structural, functional, and spatial information, amino acid conservation, physicochemical variation, residue mobility, and thermodynamic stability) indicates that this missense variant is not expected to disrupt TNFRSF11B protein function with a negative predictive value of 80%. In summary, the available evidence is currently insufficient to determine the role of this variant in disease. Therefore, it has been classified as a Variant of Uncertain Significance.

Ambry Genetics
Classification: Uncertain significance for Inborn genetic diseases. Last evaluated: 2025-08-12. Review status: criteria provided, single submitter. Criteria: Ambry Variant Classification Scheme 2023. Collection method: clinical testing. Allele origin: germline.

Fulgent Genetics
Classification: Uncertain significance for Hyperphosphatasemia with bone disease. Last evaluated: 2022-04-12. Review status: criteria provided, single submitter. Criteria: ACMG Guidelines, 2015. Collection method: clinical testing. Allele origin: unknown.

Illumina Laboratory Services, Illumina
Classification: Uncertain significance for Hyperphosphatasemia with bone disease. Last evaluated: 2018-01-12. Review status: criteria provided, single submitter. Criteria: ICSL Variant Classification Criteria 13 December 2019. Collection method: clinical testing. Allele origin: germline.

NM_002546.4(TNFRSF11B):c.853A>G (p.Ile285Val)

Gene: TNFRSF11B (TNF receptor superfamily member 11b; minus strand). Cytogenetic location: 8q24.12.
Variant type: single nucleotide variant.
Coding change: c.853A>G on transcript NM_002546.4 (MANE Select); coding-DNA position 853, A replaced by G.
Protein change: p.Ile285Val; replaces isoleucine 285 with valine.
Molecular consequence: missense variant.
Genome position (GRCh38, 1-based): chr8:118,924,727, T>C on the plus strand (A>G on the coding strand, the complement: TNFRSF11B is on the minus strand). VCF-style: chr8-118924727-T-C. GRCh37 (hg19) VCF-style: chr8-119936966-T-C.
Other names: short protein forms I285V.
Identifiers: ClinVar variation 912224 (VCV000912224.18), dbSNP rs373848556, ClinGen allele CA4854806.